The following is an entry in ClinVar:

ClinVar aggregate classification (germline): Conflicting classifications of pathogenicity. Review status: criteria provided, conflicting classifications (1 of 4 stars). 2 submissions from 2 submitters: Uncertain significance (1); Likely benign (1). Last evaluated 2024-10-25.

Allele frequency attached by ClinVar (database versions not stated): ExAC 0.00001; gnomAD exomes 0.00001; gnomAD 0.00005 and 0.00006; TOPMed 0.00009.
gnomAD v4.1: 13 of 1,613,370 alleles (0.00081%); highest among the groups gnomAD compares: African/African-American, 0.011%; no homozygotes.

Submissions (2):

Labcorp Genetics (formerly Invitae), Labcorp
Classification: Uncertain significance. Last evaluated: 2024-10-25. Review status: criteria provided, single submitter. Criteria: Invitae Variant Classification Sherloc (09022015). Collection method: clinical testing. Allele origin: germline.
Comment: This sequence change falls in intron 5 of the ARL2BP gene. It does not directly change the encoded amino acid sequence of the ARL2BP protein. It affects a nucleotide within the consensus splice site. This variant is present in population databases (rs760426172, gnomAD 0.007%). This variant has not been reported in the literature in individuals affected with ARL2BP-related conditions. ClinVar contains an entry for this variant (Variation ID: 1059401). Variants that disrupt the consensus splice site are a relatively common cause of aberrant splicing (PMID: 17576681, 9536098). Algorithms developed to predict the effect of sequence changes on RNA splicing suggest that this variant is not likely to affect RNA splicing. In summary, the available evidence is currently insufficient to determine the role of this variant in disease. Therefore, it has been classified as a Variant of Uncertain Significance.

Blueprint Genetics
Classification: Likely benign. Last evaluated: 2022-01-31. Review status: criteria provided, single submitter. Criteria: ACMG Guidelines, 2015. Collection method: clinical testing. Allele origin: germline.

Literature cited by the submitters: PubMed 17576681 (cited by Labcorp Genetics (formerly Invitae), Labcorp); PubMed 9536098 (cited by Labcorp Genetics (formerly Invitae), Labcorp).

NM_012106.4(ARL2BP):c.391-3T>C

Gene: ARL2BP (ARF like GTPase 2 binding protein; plus strand). Cytogenetic location: 16q13.
Variant type: single nucleotide variant.
Coding change: c.391-3T>C on transcript NM_012106.4 (MANE Select); 3 bases into the intron before coding-DNA position 391, T replaced by C.
Molecular consequence: intron variant.
Genome position (GRCh38, 1-based): chr16:57,252,163, T>C. VCF-style: chr16-57252163-T-C. GRCh37 (hg19) VCF-style: chr16-57286075-T-C.
Identifiers: ClinVar variation 1059401 (VCV001059401.8), dbSNP rs760426172, ClinGen allele CA8074956.